The following is an entry in ClinVar:

ClinVar aggregate classification (germline): Benign (1 of 4 stars; one submission).

Allele frequency attached by ClinVar (database versions not stated): 1000 Genomes Project 0.45288; 1000 Genomes Project 30x 0.46159; gnomAD exomes 0.49363; TOPMed 0.54913.
gnomAD v4.1: 80,973 of 152,386 alleles (53%); highest among the groups gnomAD compares: African/African-American, 69%; 22,705 homozygotes.

Submission:

Unidad de Genómica Garrahan, Hospital de Pediatría Garrahan
Classification: Benign. Last evaluated: 2023-11-12. Review status: criteria provided, single submitter. Criteria: ACMG Guidelines, 2015. Collection method: clinical testing. Allele origin: germline. Affected: no. Observed: 67 variant alleles.
Comment: This variant is classified as Benign based on local population frequency. This variant was detected in 70% of patients studied by a panel of primary immunodeficiencies. Number of patients: 67. Only high quality variants are reported.

NM_000285.4(PEPD):c.968-4775T>G

Gene: PEPD (peptidase D; minus strand). Cytogenetic location: 19q13.11.
Variant type: single nucleotide variant.
Coding change: c.968-4775T>G on transcript NM_000285.4 (MANE Select); 4775 bases into the intron before coding-DNA position 968, T replaced by G.
Molecular consequence: intron variant.
Genome position (GRCh38, 1-based): chr19:33,396,254, A>C on the plus strand (T>G on the coding strand, the complement: PEPD is on the minus strand). VCF-style: chr19-33396254-A-C. GRCh37 (hg19) VCF-style: chr19-33887160-A-C.
Other names: c.776-4775T>G (NM_001166057.2); c.845-4775T>G (NM_001166056.2).
Identifiers: ClinVar variation 2628128 (VCV002628128.2), dbSNP rs7247349, ClinGen allele CA14640869.